The following is an entry in ClinVar:

NM_002863.5(PYGL):c.637G>A (p.Gly213Arg)

Gene: PYGL (glycogen phosphorylase L; minus strand). Cytogenetic location: 14q22.1.
Variant type: single nucleotide variant.
Coding change: c.637G>A on transcript NM_002863.5 (MANE Select); coding-DNA position 637, G replaced by A.
Protein change: p.Gly213Arg; replaces glycine 213 with arginine.
Molecular consequence: missense variant.
Genome position (GRCh38, 1-based): chr14:50,923,992, C>T on the plus strand (G>A on the coding strand, the complement: PYGL is on the minus strand). VCF-style: chr14-50923992-C-T. GRCh37 (hg19) VCF-style: chr14-51390710-C-T.
Other names: c.535G>A, p.Gly179Arg (NM_001163940.2); short protein forms G179R, G213R.
Identifiers: ClinVar variation 1060734 (VCV001060734.9), dbSNP rs1043083798, ClinGen allele CA260832572.
Genomic context (GRCh38, chr14:50,923,992, plus strand): 5'-CTATACAAAACGCTGGCTATACGAGCACTCTGAATACTTGAGTGTCAATCCACTTGGTCC[C>T]GGTGTTGGTGTGTTCTACTTTTCCATAGAAGTGCACAGGCAGCATGAATTCTGGGCGGGA-3'
Protein context (NP_002854.3, residues 203-223): FYGKVEHTNT[Gly213Arg]TKWIDTQVVL

ClinVar aggregate classification (germline): Uncertain significance. Review status: criteria provided, multiple submitters, no conflicts (2 of 4 stars). 2 submissions from 2 submitters: Uncertain significance (2). Last evaluated 2023-03-01.

Conditions:
Glycogen storage disease, type VI (GSD6). Also called: Glycogen storage disease type 6; Hepatic glycogen phosphorylase deficiency; HERS DISEASE; PHOSPHORYLASE DEFICIENCY GLYCOGEN-STORAGE DISEASE OF LIVER; Glycogen storage disease type 6, due to phosphorylation; GSD VI. Identifiers: Orphanet 369, MedGen C0017925, MONDO:0009294, OMIM 232700.

Allele frequency attached by ClinVar (database versions not stated): gnomAD exomes below 0.00001 and 0.00001; TOPMed 0.00001.
gnomAD v4.1: 7 of 1,613,868 alleles (0.00043%); highest among the groups gnomAD compares: Non-Finnish European, 0.00059%; no homozygotes.

Submissions (2):

Neuberg Centre For Genomic Medicine, NCGM
Classification: Uncertain significance for Glycogen storage disease, type VI. Last evaluated: 2023-03-01. Review status: criteria provided, single submitter. Criteria: ACMG Guidelines, 2015. Collection method: clinical testing. Allele origin: germline. Inheritance: Autosomal recessive inheritance. Affected: yes.
Comment: The missense variant c.637G>A (p.Gly213Arg) in the PYGL gene has not been reported previously as a pathogenic variant nor as a benign variant, to our knowledge. This variant is reported with the allele frequency (0.0003%) in the gnomAD Exomes and novel (not in any individuals) in 1000 Genomes. This variant has been reported to the ClinVar database as Uncertain Significance. However, no details are available for independent assessment. The amino acid Glycine at position 213 is changed to a Arginine changing protein sequence and it might alter its composition and physico- chemical properties. The amino acid change p.Gly213Arg in PYGL is predicted as conserved by GERP++ and PhyloP across 100 vertebrates. For these reasons, this variant has been classified as Uncertain Significance.

Labcorp Genetics (formerly Invitae), Labcorp
Classification: Uncertain significance for Glycogen storage disease, type VI. Last evaluated: 2020-01-13. Review status: criteria provided, single submitter. Criteria: Invitae Variant Classification Sherloc (09022015). Collection method: clinical testing. Allele origin: germline.
Comment: In summary, the available evidence is currently insufficient to determine the role of this variant in disease. Therefore, it has been classified as a Variant of Uncertain Significance. Algorithms developed to predict the effect of missense changes on protein structure and function are either unavailable or do not agree on the potential impact of this missense change (SIFT: "Deleterious"; PolyPhen-2: "Probably Damaging"; Align-GVGD: "Class C0"). This variant has not been reported in the literature in individuals with PYGL-related disease. This variant is not present in population databases (ExAC no frequency). This sequence change replaces glycine with arginine at codon 213 of the PYGL protein (p.Gly213Arg). The glycine residue is highly conserved and there is a moderate physicochemical difference between glycine and arginine.